The following is an entry in ClinVar:

NM_001943.5(DSG2):c.852_855del (p.Asn284fs)

Gene: DSG2 (desmoglein 2; plus strand). Cytogenetic location: 18q12.1.
Variant type: Deletion.
Coding change: c.852_855del on transcript NM_001943.5 (MANE Select); coding-DNA positions 852 to 855, 4 bases deleted (TCAA; older notation c.852_855delTCAA).
Protein change: p.Asn284fs; shifts the reading frame from asparagine 284.
Molecular consequence: frameshift variant.
Genome position (GRCh38, 1-based): chr18:31,524,726-31,524,729, TCAA deleted; deleting any 4 consecutive bases within chr18:31,524,724-31,524,729 gives the same sequence; the c. name uses the placement nearest the transcript's 3' end. VCF-style (leftmost placement, unchanged base first): chr18-31524723-AAATC-A. GRCh37 (hg19) VCF-style: chr18-29104686-AAATC-A.
Other names: short protein forms N284fs.
Identifiers: ClinVar variation 3340313 (VCV003340313.2), dbSNP rs1165139589.

ClinVar aggregate classification (germline): Conflicting classifications of pathogenicity. Review status: criteria provided, conflicting classifications (1 of 4 stars). 2 submissions from 2 submitters: Likely pathogenic (1); Uncertain significance (1). Last evaluated 2024-06-17.

Conditions:
Arrhythmogenic right ventricular cardiomyopathy (ARVD). Also called: Arrhythmogenic right ventricular dysplasia; Cardiomyopathy, ARVC; Arrhythmogenic cardiomyopathy; Arrhythmogenic Right Ventricular Cardiomyopathy (ARVC). Identifiers: Orphanet 247, MedGen C0349788, MeSH D019571, MONDO:0016587. Disease mechanism: loss of function. Inheritance: Various modes of inheritance.

Submissions (2):

All of Us Research Program, National Institutes of Health
Classification: Uncertain significance for Arrhythmogenic right ventricular cardiomyopathy. Last evaluated: 2024-06-17. Review status: criteria provided, single submitter. Criteria: ACMG Guidelines, 2015. Collection method: clinical testing. Allele origin: germline. Inheritance: Autosomal dominant inheritance. Observed: 1 variant allele, 1 heterozygote.
Comment: This variant deletes 4 nucleotides in exon 8 of the DSG2 gene, creating a frameshift and premature translation stop signal. This variant is expected to result in an absent or non-functional protein product. This variant has been reported in at least one individual affected with arrhythmogenic right ventricular cardiomyopathy (PMID: 27532257, 36357925), and in another individual affected with primary cardiomyopathy (PMID: 37477868). This variant has not been identified in the general population by the Genome Aggregation Database (gnomAD). Although there is a suspicion for a pathogenic role, clinical relevance of loss-of-function DSG2 truncation and splice variants in autosomal dominant arrhythmogenic cardiomyopathy is not yet clearly established. The available evidence is insufficient to determine the role of this variant in disease conclusively. Therefore, this variant is classified as a Variant of Uncertain Significance.

This study involves interpretation of variants in research participants for the purpose of population health screening. Participant phenotype was not available at the time of variant classification. Additional details can be found in publication PMID: 35346344, PMCID: PMC8962531

GeneDx
Classification: Likely pathogenic. Last evaluated: 2024-02-12. Review status: criteria provided, single submitter. Criteria: GeneDx Variant Classification Process June 2021. Collection method: clinical testing. Allele origin: germline. Affected: yes.
Comment: Frameshift variant predicted to result in protein truncation or nonsense mediated decay in a gene for which loss of function is a known mechanism of disease; Not observed at significant frequency in large population cohorts (gnomAD); This variant is associated with the following publications: (PMID: 31402444, 33087929, 36357925, 27532257)

Literature cited by the submitters: PubMed 27532257 (cited by All of Us Research Program, National Institutes of Health); PubMed 36357925 (cited by All of Us Research Program, National Institutes of Health); PubMed 37477868 (cited by All of Us Research Program, National Institutes of Health).